The following is an entry in ClinVar:

ClinVar aggregate classification (germline): Uncertain significance. Review status: criteria provided, single submitter (1 of 4 stars). 2 submissions from 2 submitters: Uncertain significance (1). 1 of the submissions does not count toward it. Last evaluated 2018-07-06.

Conditions:
GPBAR1-related disorder. Also called: GPBAR1-related condition.

Allele frequency attached by ClinVar (database versions not stated): gnomAD exomes 0.00005; ExAC 0.00008; gnomAD 0.00008 and 0.00009; TOPMed 0.00010; 1000 Genomes Project 30x 0.00016; 1000 Genomes Project 0.00020.
gnomAD v4.1: 70 of 1,578,264 alleles (0.0044%); highest among the groups gnomAD compares: Middle Eastern, 0.17%; no homozygotes.

Submissions (2):

Eurofins Ntd Llc (ga)
Classification: Uncertain significance. Last evaluated: 2018-07-06. Review status: criteria provided, single submitter. Criteria: EGL ClinVar v180209 classification definitions. Collection method: clinical testing. Allele origin: germline. Observed: 1 variant allele, 1 heterozygote.

PreventionGenetics, part of Exact Sciences
Classification: Likely benign for GPBAR1-related condition. Last evaluated: 2019-12-09. Review status: no assertion criteria provided. Collection method: clinical testing. Allele origin: germline. Not counted in ClinVar's aggregate classification.
Comment: This variant is classified as likely benign based on ACMG/AMP sequence variant interpretation guidelines (Richards et al. 2015 PMID: 25741868, with internal and published modifications).

NM_170699.3(GPBAR1):c.-1G>A

Gene: GPBAR1 (G protein-coupled bile acid receptor 1; plus strand). Cytogenetic location: 2q35.
Variant type: single nucleotide variant.
Coding change: c.-1G>A on transcript NM_170699.3 (MANE Select); 1 bases upstream of the start codon, G replaced by A.
Molecular consequence: 5 prime UTR variant.
Genome position (GRCh38, 1-based): chr2:218,262,724, G>A. VCF-style: chr2-218262724-G-A. GRCh37 (hg19) VCF-style: chr2-219127447-G-A.
Other names: c.-1G>A (NM_001077191.2, NM_001077194.2, NM_001321950.2 and 1 more transcripts).
Identifiers: ClinVar variation 597942 (VCV000597942.7), dbSNP rs200558126, ClinGen allele CA2102486.